The following is an entry in ClinVar:

NM_022114.4(PRDM16):c.1834G>A (p.Gly612Arg)

Gene: PRDM16 (PR/SET domain 16; plus strand). Cytogenetic location: 1p36.32.
Variant type: single nucleotide variant.
Coding change: c.1834G>A on transcript NM_022114.4 (MANE Select); coding-DNA position 1834, G replaced by A.
Protein change: p.Gly612Arg; replaces glycine 612 with arginine.
Molecular consequence: missense variant.
Genome position (GRCh38, 1-based): chr1:3,412,031, G>A. VCF-style: chr1-3412031-G-A. GRCh37 (hg19) VCF-style: chr1-3328595-G-A.
Other names: c.1834G>A, p.Gly612Arg (NM_199454.3); short protein forms G612R.
Identifiers: ClinVar variation 2241052 (VCV002241052.3), dbSNP rs777145190, ClinGen allele CA544302.
Genomic context (GRCh38, chr1:3,412,031, plus strand): 5'-AAGACCAGGAGCAGCGACATGTCGGACGGCAGTGACTTTGAGGACGTCAACACCACCACG[G>A]GGACCGACCTGGACACGACCACGGGGACGGGCTCGGACCTGGACAGCGACGTGGACAGCG-3'
Protein context (NP_071397.3, residues 602-622): SDFEDVNTTT[Gly612Arg]TDLDTTTGTG

ClinVar aggregate classification (germline): Uncertain significance. Review status: criteria provided, multiple submitters, no conflicts (2 of 4 stars). 2 submissions from 2 submitters: Uncertain significance (2). Last evaluated 2025-09-29.

Conditions:
Inborn genetic diseases. Identifiers: MedGen C0950123, MeSH D030342.

Allele frequency attached by ClinVar (database versions not stated): gnomAD exomes 0.00002; TOPMed 0.00002; ExAC 0.00001; gnomAD 0.00001.
gnomAD v4.1: 40 of 1,613,128 alleles (0.0025%); highest among the groups gnomAD compares: Non-Finnish European, 0.0031%; no homozygotes.

Submissions (2):

Women's Health and Genetics/Laboratory Corporation of America, LabCorp
Classification: Uncertain significance. Last evaluated: 2025-09-29. Review status: criteria provided, single submitter. Criteria: LabCorp Variant Classification Summary - May 2015. Collection method: clinical testing. Allele origin: germline.
Comment: Variant summary: PRDM16 c.1834G>A (p.Gly612Arg) results in a non-conservative amino acid change in the encoded protein sequence. Algorithms developed to predict the effect of missense changes on protein structure and function are either unavailable or do not agree on the potential impact of this missense change. The variant allele was found at a frequency of 8e-06 in 248642 control chromosomes. The available data on variant occurrences in the general population are insufficient to allow any conclusion about variant significance. To our knowledge, no occurrence of c.1834G>A in individuals affected with PRDM16-related conditions and no experimental evidence demonstrating its impact on protein function have been reported. ClinVar contains an entry for this variant (Variation ID: 2241052). Based on the evidence outlined above, the variant was classified as uncertain significance.

Ambry Genetics
Classification: Uncertain significance for Inborn genetic diseases. Last evaluated: 2021-08-02. Review status: criteria provided, single submitter. Criteria: Ambry Variant Classification Scheme 2023. Collection method: clinical testing. Allele origin: germline.